The following is an entry in ClinVar:

NM_031407.7(HUWE1):c.3503+6G>A

Gene: HUWE1 (HECT, UBA and WWE domain containing E3 ubiquitin protein ligase 1; minus strand). Cytogenetic location: Xp11.22.
Variant type: single nucleotide variant.
Coding change: c.3503+6G>A on transcript NM_031407.7 (MANE Select); 6 bases into the intron after coding-DNA position 3503, G replaced by A.
Molecular consequence: intron variant.
Genome position (GRCh38, 1-based): chrX:53,594,493, C>T on the plus strand (G>A on the coding strand, the complement: HUWE1 is on the minus strand). VCF-style: chrX-53594493-C-T. GRCh37 (hg19) VCF-style: chrX-53621453-C-T.
Identifiers: ClinVar variation 3058338 (VCV003058338.2), dbSNP rs782560521, ClinGen allele CA10422565.

ClinVar aggregate classification (germline): Likely benign (0 of 4 stars; one submission).

Conditions:
HUWE1-related disorder. Also called: HUWE1-related condition.

Allele frequency attached by ClinVar (database versions not stated): TOPMed below 0.00001; ExAC 0.00001; gnomAD 0.00001.
gnomAD v4.1: 1 of 1,208,195 alleles (0.000083%); highest among the groups gnomAD compares: East Asian, 0.003%; no homozygotes.

Submission:

PreventionGenetics, part of Exact Sciences
Classification: Likely benign for HUWE1-related condition. Last evaluated: 2024-03-05. Review status: no assertion criteria provided. Collection method: clinical testing. Allele origin: germline.
Comment: This variant is classified as likely benign based on ACMG/AMP sequence variant interpretation guidelines (Richards et al. 2015 PMID: 25741868, with internal and published modifications).